The following is an entry in ClinVar:

ClinVar aggregate classification (germline): Likely benign (0 of 4 stars; one submission).

Conditions:
DYSF-related disorder. Also called: DYSF-related condition; DYSF-related disorders.

gnomAD v4.1: 2 of 1,614,162 alleles (0.00012%); highest among the groups gnomAD compares: Non-Finnish European, 0.00017%; no homozygotes.

Submission:

PreventionGenetics, part of Exact Sciences
Classification: Likely benign for DYSF-related condition. Last evaluated: 2021-01-11. Review status: no assertion criteria provided. Collection method: clinical testing. Allele origin: germline.
Comment: This variant is classified as likely benign based on ACMG/AMP sequence variant interpretation guidelines (Richards et al. 2015 PMID: 25741868, with internal and published modifications).

NM_001130987.2(DYSF):c.6153C>T (p.Asn2051=)

Gene: DYSF (dysferlin; plus strand). Cytogenetic location: 2p13.2.
Variant type: single nucleotide variant.
Coding change: c.6153C>T on transcript NM_001130987.2 (MANE Select); coding-DNA position 6153, C replaced by T.
Protein change: p.Asn2051=; no amino-acid change (asparagine 2051 retained).
Molecular consequence: synonymous variant.
Genome position (GRCh38, 1-based): chr2:71,681,090, C>T. VCF-style: chr2-71681090-C-T. GRCh37 (hg19) VCF-style: chr2-71908220-C-T.
Other names: c.6039C>T, p.Asn2013= (NM_001130455.2); c.5994C>T, p.Asn1998= (NM_001130976.2); c.6057C>T, p.Asn2019= (NM_001130977.2); c.6099C>T, p.Asn2033= (NM_001130978.2); c.6129C>T, p.Asn2043= (NM_001130979.2); c.6087C>T, p.Asn2029= (NM_001130980.2); c.6150C>T, p.Asn2050= (NM_001130981.2); c.6132C>T, p.Asn2044= (NM_001130982.2); and 5 more.
Identifiers: ClinVar variation 3031574 (VCV003031574.2), dbSNP rs778053107, ClinGen allele CA426704823.